The following is an entry in ClinVar:

NM_002161.6(IARS1):c.213T>G (p.Tyr71Ter)

Gene: IARS1 (isoleucyl-tRNA synthetase 1; minus strand). Cytogenetic location: 9q22.31.
Variant type: single nucleotide variant.
Coding change: c.213T>G on transcript NM_002161.6 (MANE Select); coding-DNA position 213, T replaced by G.
Protein change: p.Tyr71Ter; replaces tyrosine 71 with a stop codon.
Molecular consequence: nonsense. On other transcripts: intron variant (1).
Genome position (GRCh38, 1-based): chr9:92,288,189, A>C on the plus strand (T>G on the coding strand, the complement: IARS1 is on the minus strand). VCF-style: chr9-92288189-A-C. GRCh37 (hg19) VCF-style: chr9-95050471-A-C.
Other names: c.213T>G, p.Tyr71Ter (NM_001378579.1, NM_001378580.1, NM_001378582.1 and 16 more transcripts); c.120-30T>G (NM_001378583.1); short protein forms Y71*.
Identifiers: ClinVar variation 1030524 (VCV001030524.3), dbSNP rs765771535, ClinGen allele CA5123041.

ClinVar aggregate classification (germline): Pathogenic. Review status: criteria provided, multiple submitters, no conflicts (2 of 4 stars). 2 submissions from 2 submitters: Pathogenic (2). Last evaluated 2024-08-11.

Conditions:
Growth retardation, intellectual developmental disorder, hypotonia, and hepatopathy (GRIDHH). Also called: GROWTH RETARDATION, IMPAIRED INTELLECTUAL DEVELOPMENT, HYPOTONIA, AND HEPATOPATHY. Identifiers: Orphanet 541423, MedGen C4310720, MONDO:0014911, OMIM 617093.

Allele frequency attached by ClinVar (database versions not stated): ExAC 0.00002; gnomAD 0.00003; gnomAD exomes 0.00003; TOPMed 0.00006.
gnomAD v4.1: 90 of 1,613,990 alleles (0.0056%); highest among the groups gnomAD compares: Non-Finnish European, 0.0069%; no homozygotes.

Submissions (2):

Labcorp Genetics (formerly Invitae), Labcorp
Classification: Pathogenic. Last evaluated: 2024-08-11. Review status: criteria provided, single submitter. Criteria: Invitae Variant Classification Sherloc (09022015). Collection method: clinical testing. Allele origin: germline.
Comment: This sequence change creates a premature translational stop signal (p.Tyr71*) in the IARS gene. It is expected to result in an absent or disrupted protein product. Loss-of-function variants in IARS are known to be pathogenic (PMID: 27426735, 27891590). This variant is present in population databases (rs765771535, gnomAD 0.006%). This variant has not been reported in the literature in individuals affected with IARS-related conditions. ClinVar contains an entry for this variant (Variation ID: 1030524). Algorithms developed to predict the effect of sequence changes on RNA splicing suggest that this variant may disrupt the consensus splice site. For these reasons, this variant has been classified as Pathogenic.

Baylor Genetics
Classification: Pathogenic for Growth retardation, intellectual developmental disorder, hypotonia, and hepatopathy. Last evaluated: 2020-04-21. Review status: criteria provided, single submitter. Criteria: ACMG Guidelines, 2015. Collection method: clinical testing. Allele origin: unknown. Affected: yes.
Comment: This variant was determined to be pathogenic according to ACMG Guidelines, 2015 [PMID:25741868].

Literature cited by the submitters: PubMed 27426735 (cited by Labcorp Genetics (formerly Invitae), Labcorp); PubMed 27891590 (cited by Labcorp Genetics (formerly Invitae), Labcorp).